The following is an entry in ClinVar:

NM_006904.7(PRKDC):c.1670G>T (p.Ser557Ile)

Gene: PRKDC (protein kinase, DNA-activated, catalytic subunit; minus strand). Cytogenetic location: 8q11.21.
Variant type: single nucleotide variant.
Coding change: c.1670G>T on transcript NM_006904.7 (MANE Select); coding-DNA position 1670, G replaced by T.
Protein change: p.Ser557Ile; replaces serine 557 with isoleucine.
Molecular consequence: missense variant.
Genome position (GRCh38, 1-based): chr8:47,933,126, C>A on the plus strand (G>T on the coding strand, the complement: PRKDC is on the minus strand). VCF-style: chr8-47933126-C-A. GRCh37 (hg19) VCF-style: chr8-48845686-C-A.
Other names: c.1670G>T, p.Ser557Ile (NM_001081640.2); short protein forms S557I.
Identifiers: ClinVar variation 2898176 (VCV002898176.2), dbSNP rs1302786212, ClinGen allele CA371165125.

ClinVar aggregate classification (germline): Uncertain significance (1 of 4 stars; one submission).

Conditions:
Severe combined immunodeficiency due to DNA-PKcs deficiency. Also called: IMMUNODEFICIENCY 26 WITH NEUROLOGIC ABNORMALITIES; Immunodeficiency 26 with or without neurologic abnormalities. Identifiers: Orphanet 317425, MedGen C4014833, MONDO:0014423, OMIM 615966.

Allele frequency attached by ClinVar (database versions not stated): TOPMed 0.00001.
gnomAD v4.1: 7 of 1,561,440 alleles (0.00045%); highest among the groups gnomAD compares: Non-Finnish European, 0.00061%; no homozygotes.

Submission:

Labcorp Genetics (formerly Invitae), Labcorp
Classification: Uncertain significance for Severe combined immunodeficiency due to DNA-PKcs deficiency. Last evaluated: 2022-12-17. Review status: criteria provided, single submitter. Criteria: Invitae Variant Classification Sherloc (09022015). Collection method: clinical testing. Allele origin: germline.
Comment: This variant has not been reported in the literature in individuals affected with PRKDC-related conditions. Advanced modeling of protein sequence and biophysical properties (such as structural, functional, and spatial information, amino acid conservation, physicochemical variation, residue mobility, and thermodynamic stability) performed at Invitae indicates that this missense variant is not expected to disrupt PRKDC protein function. In summary, the available evidence is currently insufficient to determine the role of this variant in disease. Therefore, it has been classified as a Variant of Uncertain Significance. The frequency data for this variant in the population databases is considered unreliable, as metrics indicate poor data quality at this position in the gnomAD database. This sequence change replaces serine, which is neutral and polar, with isoleucine, which is neutral and non-polar, at codon 557 of the PRKDC protein (p.Ser557Ile).